The following is an entry in ClinVar:

ClinVar aggregate classification (germline): Conflicting classifications of pathogenicity. Review status: criteria provided, conflicting classifications (1 of 4 stars). 5 submissions from 5 submitters: Uncertain significance (1); Benign (2); Likely benign (1). 1 of the submissions does not count toward it. Last evaluated 2026-01-19.

Conditions:
Muscular dystrophy-dystroglycanopathy (congenital with brain and eye anomalies), type A2. Also called: WALKER-WARBURG SYNDROME OR MUSCLE-EYE-BRAIN DISEASE, POMT2-RELATED; MUSCULAR DYSTROPHY-DYSTROGLYCANOPATHY (CONGENITAL WITH BRAIN AND EYE ANOMALIES), TYPE A, 2. Identifiers: Orphanet 588, Orphanet 899, MedGen C3150411, MONDO:0013154, OMIM 613150.
Muscular dystrophy-dystroglycanopathy (congenital with impaired intellectual development), type B, 2. Also called: Muscular dystrophy-dystroglycanopathy (congenital with intellectual disability), type B2; MUSCULAR DYSTROPHY, CONGENITAL, POMT2-RELATED. Identifiers: MedGen C3150416, MONDO:0013160, OMIM 613156.
Autosomal recessive limb-girdle muscular dystrophy type 2N. Also called: MUSCULAR DYSTROPHY-DYSTROGLYCANOPATHY, LIMB-GIRDLE, POMT2-RELATED; Muscular dystrophy-dystroglycanopathy (limb-girdle), type C, 2. Identifiers: Orphanet 206559, MedGen C3150418, MONDO:0013162, OMIM 613158.
POMT2-related disorder. Also called: POMT2-related condition.

Allele frequency attached by ClinVar (database versions not stated): ExAC 0.00049; TOPMed 0.00036; 1000 Genomes Project 0.00040; gnomAD exomes 0.00011 and 0.00033; gnomAD 0.00027; 1000 Genomes Project 30x 0.00109.
gnomAD v4.1: 209 of 1,589,456 alleles (0.013%); highest among the groups gnomAD compares: Admixed American, 0.17%; 1 homozygote.

Submissions (5):

Labcorp Genetics (formerly Invitae), Labcorp
Classification: Benign for Muscular dystrophy-dystroglycanopathy (congenital with impaired intellectual development), type B, 2; Muscular dystrophy-dystroglycanopathy (congenital with brain and eye anomalies), type A2; Autosomal recessive limb-girdle muscular dystrophy type 2N. Last evaluated: 2026-01-19. Review status: criteria provided, single submitter. Criteria: Invitae Variant Classification Sherloc (09022015). Collection method: clinical testing. Allele origin: germline.

Athena Diagnostics
Classification: Benign. Last evaluated: 2024-09-25. Review status: criteria provided, single submitter. Criteria: Athena Diagnostics Criteria. Collection method: clinical testing. Allele origin: unknown.

GeneDx
Classification: Likely benign. Last evaluated: 2020-02-06. Review status: criteria provided, single submitter. Criteria: GeneDx Variant Classification Process June 2021. Collection method: clinical testing. Allele origin: germline. Affected: yes.

Eurofins Ntd Llc (ga)
Classification: Uncertain significance. Last evaluated: 2018-09-14. Review status: criteria provided, single submitter. Criteria: EGL ClinVar v180209 classification definitions. Collection method: clinical testing. Allele origin: germline. Observed: 6 variant alleles, 6 heterozygotes.

PreventionGenetics, part of Exact Sciences
Classification: Likely benign for POMT2-related condition. Last evaluated: 2021-10-25. Review status: no assertion criteria provided. Collection method: clinical testing. Allele origin: germline. Not counted in ClinVar's aggregate classification.
Comment: This variant is classified as likely benign based on ACMG/AMP sequence variant interpretation guidelines (Richards et al. 2015 PMID: 25741868, with internal and published modifications).

NM_013382.7(POMT2):c.66C>T (p.Gly22=)

Gene: POMT2 (protein O-mannosyltransferase 2; minus strand). Cytogenetic location: 14q24.3.
Variant type: single nucleotide variant.
Coding change: c.66C>T on transcript NM_013382.7 (MANE Select); coding-DNA position 66, C replaced by T.
Protein change: p.Gly22=; no amino-acid change (glycine 22 retained).
Molecular consequence: synonymous variant.
Genome position (GRCh38, 1-based): chr14:77,320,616, G>A on the plus strand (C>T on the coding strand, the complement: POMT2 is on the minus strand). VCF-style: chr14-77320616-G-A. GRCh37 (hg19) VCF-style: chr14-77786959-G-A.
Identifiers: ClinVar variation 285150 (VCV000285150.21), dbSNP rs200670377, ClinGen allele CA7286287.